The following is an entry in ClinVar:

ClinVar aggregate classification (germline): Benign. Review status: criteria provided, multiple submitters, no conflicts (2 of 4 stars). 5 submissions from 5 submitters: Benign (5). Last evaluated 2026-02-01.

Conditions:
Intestinal hypomagnesemia 1. Also called: HYPOMAGNESEMIA, INTESTINAL, WITH SECONDARY HYPOCALCEMIA; HYPOMAGNESEMIC TETANY. Identifiers: Orphanet 30924, MedGen C1865974, MONDO:0011176, OMIM 602014.

Allele frequency attached by ClinVar (database versions not stated): gnomAD exomes 0.00911 and 0.02404; ExAC 0.02955; gnomAD 0.09055 and 0.09732; 1000 Genomes Project 0.09904; TOPMed 0.10312; ESP Exome Variant Server 0.10518; 1000 Genomes Project 30x 0.10681.
gnomAD v4.1: 27,778 of 1,614,112 alleles (1.7%); highest among the groups gnomAD compares: African/African-American, 31%; 3,772 homozygotes.

Submissions (5):

Labcorp Genetics (formerly Invitae), Labcorp
Classification: Benign. Last evaluated: 2026-02-01. Review status: criteria provided, single submitter. Criteria: Invitae Variant Classification Sherloc (09022015). Collection method: clinical testing. Allele origin: germline.

Mayo Clinic Laboratories, Mayo Clinic
Classification: Benign. Last evaluated: 2023-03-26. Review status: criteria provided, single submitter. Criteria: ACMG Guidelines, 2015. Collection method: clinical testing. Allele origin: germline. Observed: 18 variant alleles.

GeneDx
Classification: Benign. Last evaluated: 2020-01-26. Review status: criteria provided, single submitter. Criteria: GeneDx Variant Classification Process June 2021. Collection method: clinical testing. Allele origin: germline. Affected: yes.

Illumina Laboratory Services, Illumina
Classification: Benign for Intestinal hypomagnesemia 1. Last evaluated: 2018-01-12. Review status: criteria provided, single submitter. Criteria: ICSL Variant Classification Criteria 13 December 2019. Collection method: clinical testing. Allele origin: germline.
Comment: This variant was observed in the ICSL laboratory as part of a predisposition screen in an ostensibly healthy population. It had not been previously curated by ICSL or reported in the Human Gene Mutation Database (HGMD: prior to June 1st, 2018), and was therefore a candidate for classification through an automated scoring system. Utilizing variant allele frequency, disease prevalence and penetrance estimates, and inheritance mode, an automated score was calculated to assess if this variant is too frequent to cause the disease. Based on the score and internal cut-off values, a variant classified as benign is not then subjected to further curation. The score for this variant resulted in a classification of benign for this disease.

Breakthrough Genomics
Classification: Benign. Review status: criteria provided, single submitter. Criteria: ACMG Guidelines, 2015. Collection method: not provided. Allele origin: germline. Inheritance: Autosomal recessive inheritance. Affected: yes.

NM_017662.5(TRPM6):c.1872T>C (p.Ala624=)

Gene: TRPM6 (transient receptor potential cation channel subfamily M member 6; minus strand). Cytogenetic location: 9q21.13.
Variant type: single nucleotide variant.
Coding change: c.1872T>C on transcript NM_017662.5 (MANE Select); coding-DNA position 1872, T replaced by C.
Protein change: p.Ala624=; no amino-acid change (alanine 624 retained).
Molecular consequence: synonymous variant.
Genome position (GRCh38, 1-based): chr9:74,802,035, A>G on the plus strand (T>C on the coding strand, the complement: TRPM6 is on the minus strand). VCF-style: chr9-74802035-A-G. GRCh37 (hg19) VCF-style: chr9-77416951-A-G.
Other names: p.Ala624=; c.1857T>C, p.Ala619= (NM_001177310.2, NM_001177311.2).
Identifiers: ClinVar variation 367319 (VCV000367319.16), dbSNP rs12349050, ClinGen allele CA5084705.
Genomic context (GRCh38, chr9:74,802,035, plus strand): 5'-GAGGATACACGCAATCACGGCTTTAACCGTGGCCTCCTCTCCATGCTGCCAGAAGAACAT[A>G]GCCATCTTCTGCCTTTTCATCAGCACAGCCCAAACCAGCAGGTCATTGTAAGGGTAAAGA-3'
Protein context (NP_060132.3, residues 614-634): WAVLMKRQKM[Ala624=]MFFWQHGEEA